The following is an entry in ClinVar:

NM_024301.5(FKRP):c.86A>G (p.His29Arg)

Gene: FKRP (fukutin related protein; plus strand). Cytogenetic location: 19q13.32.
Variant type: single nucleotide variant.
Coding change: c.86A>G on transcript NM_024301.5 (MANE Select); coding-DNA position 86, A replaced by G.
Protein change: p.His29Arg; replaces histidine 29 with arginine.
Molecular consequence: missense variant.
Genome position (GRCh38, 1-based): chr19:46,755,536, A>G. VCF-style: chr19-46755536-A-G. GRCh37 (hg19) VCF-style: chr19-47258793-A-G.
Other names: c.86A>G, p.His29Arg (NM_001039885.3); short protein forms H29R.
Identifiers: ClinVar variation 2166959 (VCV002166959.1), dbSNP rs777793760, ClinGen allele CA9532107.

ClinVar aggregate classification (germline): Uncertain significance (1 of 4 stars; one submission).

Conditions:
Walker-Warburg congenital muscular dystrophy. Also called: Muscular dystrophy-dystroglycanopathy, type A; Walker-Warburg syndrome. Identifiers: Orphanet 899, MedGen C0265221, MONDO:0000171.

Allele frequency attached by ClinVar (database versions not stated): gnomAD exomes below 0.00001; ExAC 0.00001.
gnomAD v4.1: 1 of 1,608,846 alleles (0.000062%); highest among the groups gnomAD compares: Admixed American, 0.0017%; no homozygotes.

Submission:

Labcorp Genetics (formerly Invitae), Labcorp
Classification: Uncertain significance for Walker-Warburg congenital muscular dystrophy. Last evaluated: 2022-09-27. Review status: criteria provided, single submitter. Criteria: Invitae Variant Classification Sherloc (09022015). Collection method: clinical testing. Allele origin: germline.
Comment: This sequence change replaces histidine, which is basic and polar, with arginine, which is basic and polar, at codon 29 of the FKRP protein (p.His29Arg). This variant is present in population databases (rs777793760, gnomAD 0.003%). This variant has not been reported in the literature in individuals affected with FKRP-related conditions. Advanced modeling of protein sequence and biophysical properties (such as structural, functional, and spatial information, amino acid conservation, physicochemical variation, residue mobility, and thermodynamic stability) performed at Invitae indicates that this missense variant is not expected to disrupt FKRP protein function. In summary, the available evidence is currently insufficient to determine the role of this variant in disease. Therefore, it has been classified as a Variant of Uncertain Significance.